The following is an entry in ClinVar:

ClinVar aggregate classification (germline): Uncertain significance (1 of 4 stars; one submission).

Conditions:
Aortic aneurysm, familial thoracic 8 (AAT8). Identifiers: MedGen C3809513, MONDO:0014187, OMIM 615436.

gnomAD v4.1: 2 of 1,607,532 alleles (0.00012%); highest among the groups gnomAD compares: Admixed American, 0.0034%; no homozygotes.

Submission:

Labcorp Genetics (formerly Invitae), Labcorp
Classification: Uncertain significance for Aortic aneurysm, familial thoracic 8. Last evaluated: 2023-07-07. Review status: criteria provided, single submitter. Criteria: Invitae Variant Classification Sherloc (09022015). Collection method: clinical testing. Allele origin: germline.
Comment: This sequence change replaces valine, which is neutral and non-polar, with aspartic acid, which is acidic and polar, at codon 294 of the PRKG1 protein (p.Val294Asp). This variant is present in population databases (rs757416473, gnomAD 0.006%). This variant has not been reported in the literature in individuals affected with PRKG1-related conditions. ClinVar contains an entry for this variant (Variation ID: 1057738). An algorithm developed to predict the effect of missense changes on protein structure and function (PolyPhen-2) suggests that this variant is likely to be tolerated. In summary, the available evidence is currently insufficient to determine the role of this variant in disease. Therefore, it has been classified as a Variant of Uncertain Significance.

NM_006258.4(PRKG1):c.881T>A (p.Val294Asp)

Gene: PRKG1 (protein kinase cGMP-dependent 1; plus strand). Cytogenetic location: 10q21.1.
Variant type: single nucleotide variant.
Coding change: c.881T>A on transcript NM_006258.4 (MANE Select); coding-DNA position 881, T replaced by A.
Protein change: p.Val294Asp; replaces valine 294 with aspartic acid.
Molecular consequence: missense variant. On other transcripts: 5 prime UTR variant (1).
Genome position (GRCh38, 1-based): chr10:52,062,577, T>A. VCF-style: chr10-52062577-T-A. GRCh37 (hg19) VCF-style: chr10-53822337-T-A.
Other names: c.836T>A, p.Val279Asp (NM_001098512.3); c.-329T>A (NM_001374781.1); c.881T>A, p.Val294Asp (NM_001374782.1); short protein forms V279D, V294D.
Identifiers: ClinVar variation 1057738 (VCV001057738.9), dbSNP rs757416473, ClinGen allele CA5503655.